The following is an entry in ClinVar:

ClinVar aggregate classification (germline): Pathogenic (1 of 4 stars; one submission).

Conditions:
Developmental and epileptic encephalopathy 94 (DEE94). Also called: CHD2-Related Neurodevelopmental Disorders; Epileptic encephalopathy, childhood-onset. Identifiers: Orphanet 1942, Orphanet 2382, MedGen C3809278, MONDO:0014150, OMIM 615369.

Submission:

Labcorp Genetics (formerly Invitae), Labcorp
Classification: Pathogenic for Developmental and epileptic encephalopathy 94. Last evaluated: 2022-11-08. Review status: criteria provided, single submitter. Criteria: Invitae Variant Classification Sherloc (09022015). Collection method: clinical testing. Allele origin: germline.
Comment: For these reasons, this variant has been classified as Pathogenic. This variant has not been reported in the literature in individuals affected with CHD2-related conditions. This variant is not present in population databases (gnomAD no frequency). This sequence change creates a premature translational stop signal (p.Asn1218*) in the CHD2 gene. It is expected to result in an absent or disrupted protein product. Loss-of-function variants in CHD2 are known to be pathogenic (PMID: 23708187, 24207121).

Literature cited by the submitters: PubMed 23708187; PubMed 24207121.

NM_001271.4(CHD2):c.3651dup (p.Asn1218Ter)

Gene: CHD2 (chromodomain helicase DNA binding protein 2; plus strand). Cytogenetic location: 15q26.1.
Variant type: Duplication.
Coding change: c.3651dup on transcript NM_001271.4 (MANE Select); coding-DNA position 3651, one base duplicated (T; older notation c.3651dupT).
Protein change: p.Asn1218Ter; replaces asparagine 1218 with a stop codon.
Molecular consequence: nonsense.
Genome position (GRCh38, 1-based): chr15:92,997,012, T duplicated; the last of 2 consecutive T bases (chr15:92,997,011-92,997,012); duplicating either gives the same sequence. VCF-style (leftmost placement, unchanged base first): chr15-92997010-G-GT. GRCh37 (hg19) VCF-style: chr15-93540240-G-GT.
Other names: short protein forms N1218*.
Identifiers: ClinVar variation 2109745 (VCV002109745.4), dbSNP rs2505589834, ClinGen allele CA2580090330.